The following is an entry in ClinVar:

ClinVar aggregate classification (germline): VUS-high (1 of 4 stars; one submission).

Conditions:
Cornelia de Lange syndrome 1 (CDLS1). Also called: TYPUS DEGENERATIVUS AMSTELODAMENSIS; Brachmann de Lange syndrome; NIPBL-Related Cornelia de Lange Syndrome. Identifiers: Orphanet 199, MedGen C4551851, MONDO:0007387, OMIM 122470.

Submission:

Department Of Genetics, Lifeline Super Speciality Hospital, Adoor.
Classification: VUS-high for Cornelia de Lange syndrome 1. Review status: criteria provided, single submitter. Criteria: ACMG Guidelines, 2015. Collection method: clinical testing. Allele origin: germline. Inheritance: Autosomal dominant inheritance. Affected: yes. Observed: 1 variant allele, 1 heterozygote.
Comment: The variant c.5551_5553del (p.Asp1851del) in the NIPBL gene is a 3bp deletion (GAT) in exon 29, resulting in an in-frame deletion of a conserved aspartic acid residue. The variant is absent from population databases including gnomAD, 1000Genomes, and TopMed, hence PM2 applied. The gene NIPBL is strongly associated with Cornelia de Lange Syndrome 1. This variant (3bp deletion) may impact protein function as evident by classic facial features, short stature and low IQ. The classification of this variant is currently Uncertain Significance (VUS) according to ACMG/AMP guidelines, however our computational predictions and patients phenotype predict it to be Variant of Possible clinical significance.

NM_133433.4(NIPBL):c.5551_5553del (p.Asp1851del)

Gene: NIPBL (NIPBL cohesin loading factor; plus strand). Cytogenetic location: 5p13.2.
Variant type: Deletion.
Coding change: c.5551_5553del on transcript NM_133433.4 (MANE Select); coding-DNA positions 5551 to 5553, 3 bases deleted (GAT; older notation c.5551_5553delGAT).
Protein change: p.Asp1851del; deletes aspartic acid 1851.
Genome position (GRCh38, 1-based): chr5:37,022,367-37,022,369, GAT deleted; deleting any 3 consecutive bases within chr5:37,022,365-37,022,369 gives the same sequence; the c. name uses the placement nearest the transcript's 3' end. VCF-style (leftmost placement, unchanged base first): chr5-37022364-TATG-T. GRCh37 (hg19) VCF-style: chr5-37022466-TATG-T.
Other names: NIPBL; c.5551_5553del, p.Asp1851del (NM_001438586.1, NM_015384.5); short protein forms D1851del.
Identifiers: ClinVar variation 4857224 (VCV004857224.1).